The following is an entry in ClinVar:

NM_014285.7(EXOSC2):c.421A>G (p.Ile141Val)

Gene: EXOSC2 (exosome component 2; plus strand). Cytogenetic location: 9q34.12.
Variant type: single nucleotide variant.
Coding change: c.421A>G on transcript NM_014285.7 (MANE Select); coding-DNA position 421, A replaced by G.
Protein change: p.Ile141Val; replaces isoleucine 141 with valine.
Molecular consequence: missense variant. On other transcripts: non-coding transcript variant (1).
Genome position (GRCh38, 1-based): chr9:130,699,389, A>G. VCF-style: chr9-130699389-A-G. GRCh37 (hg19) VCF-style: chr9-133574776-A-G.
Other names: c.421A>G, p.Ile141Val (NM_001282708.1); c.331A>G, p.Ile111Val (NM_001282709.1); short protein forms I111V, I141V.
Identifiers: ClinVar variation 3680380 (VCV003680380.2).

ClinVar aggregate classification (germline): Uncertain significance (1 of 4 stars; one submission).

Submission:

Labcorp Genetics (formerly Invitae), Labcorp
Classification: Uncertain significance. Last evaluated: 2024-04-07. Review status: criteria provided, single submitter. Criteria: Invitae Variant Classification Sherloc (09022015). Collection method: clinical testing. Allele origin: germline.
Comment: This sequence change replaces isoleucine, which is neutral and non-polar, with valine, which is neutral and non-polar, at codon 141 of the EXOSC2 protein (p.Ile141Val). This variant is not present in population databases (gnomAD no frequency). This variant has not been reported in the literature in individuals affected with EXOSC2-related conditions. Advanced modeling of protein sequence and biophysical properties (such as structural, functional, and spatial information, amino acid conservation, physicochemical variation, residue mobility, and thermodynamic stability) performed at Invitae indicates that this missense variant is not expected to disrupt EXOSC2 protein function with a negative predictive value of 80%. In summary, the available evidence is currently insufficient to determine the role of this variant in disease. Therefore, it has been classified as a Variant of Uncertain Significance.